The following is an entry in ClinVar:

ClinVar aggregate classification (germline): Likely pathogenic (1 of 4 stars; one submission).

Conditions:
Metaphyseal chondrodysplasia, McKusick type (CHH). Also called: Cartilage-hair hypoplasia; Cartilage-Hair Hypoplasia (CHH). Identifiers: Orphanet 175, MedGen C0220748, MONDO:0009595, OMIM 250250.

Submission:

Natera, Inc.
Classification: Likely pathogenic for Cartilage-hair hypoplasia. Last evaluated: 2025-09-29. Review status: criteria provided, single submitter. Criteria: Natera Variant Classification Schema (03/2026). Collection method: clinical testing. Allele origin: germline.
Comment: The n.-14_2dup variant in RMRP, also known as NC_000009.11:g.35658014_35658029dup, is a duplication affecting the RMRP promoter region between the TATA box and the transcription initiation site. Other duplications and insertions just upstream of the transcription initiation site have been reported in individuals affected with cartilage-hair hypoplasia (PMID: 11207361, 17937437). This variant is rare in the general population with a frequency below the threshold expected for the associated phenotype(s). Given the available evidence, this variant is classified as Likely Pathogenic.

Literature cited by the submitters: PubMed 11207361; PubMed 17937437.

NC_000009.12:g.35658017_35658032dup

Gene: RMRP (RNA component of mitochondrial RNA processing endoribonuclease; minus strand). Cytogenetic location: 9p13.3.
Variant type: Duplication.
Genome position: GRCh38 VCF-style: chr9-35658016-A-ACCACGTCCTCAGCTTC. GRCh37 (hg19) VCF-style: chr9-35658013-A-ACCACGTCCTCAGCTTC.
Identifiers: ClinVar variation 4875515 (VCV004875515.1).